The following is an entry in ClinVar:

NM_000077.5(CDKN2A):c.364G>A (p.Gly122Ser)

Gene: CDKN2A (cyclin dependent kinase inhibitor 2A; minus strand). Cytogenetic location: 9p21.3.
Variant type: single nucleotide variant.
Coding change: c.364G>A on transcript NM_000077.5; coding-DNA position 364, G replaced by A.
Protein change: p.Gly122Ser; replaces glycine 122 with serine.
Molecular consequence: missense variant (on NM_000077.6). On other transcripts: 3 prime UTR variant (2).
Genome position (GRCh38, 1-based): chr9:21,970,995, C>T on the plus strand (G>A on the coding strand, the complement: CDKN2A is on the minus strand). VCF-style: chr9-21970995-C-T. GRCh37 (hg19) VCF-style: chr9-21970994-C-T.
Other names: c.364G>A, p.Gly122Ser (NM_000077.6, NM_001195132.2); c.211G>A, p.Gly71Ser (NM_001363763.2); c.*8G>A (NM_058195.4); c.*287G>A (NM_058197.5); short protein forms G122S, G71S.
Identifiers: ClinVar variation 1468600 (VCV001468600.6), dbSNP rs113798404, ClinGen allele CA190729820.

ClinVar aggregate classification (germline): Uncertain significance (1 of 4 stars; one submission).

Conditions:
Familial melanoma. Also called: Hereditary melanoma; Hereditary cutaneous melanoma. Identifiers: Orphanet 618, MedGen C1512419, MONDO:0018961.

Submission:

Labcorp Genetics (formerly Invitae), Labcorp
Classification: Uncertain significance for Familial melanoma. Last evaluated: 2021-02-03. Review status: criteria provided, single submitter. Criteria: Invitae Variant Classification Sherloc (09022015). Collection method: clinical testing. Allele origin: germline.
Comment: This sequence change replaces glycine with serine at codon 122 of the CDKN2A (p16INK4a) protein (p.Gly122Ser). The glycine residue is highly conserved and there is a small physicochemical difference between glycine and serine. This variant is not present in population databases (ExAC no frequency). In summary, the available evidence is currently insufficient to determine the role of this variant in disease. Therefore, it has been classified as a Variant of Uncertain Significance. Experimental studies are conflicting or provide insufficient evidence to determine the effect of this variant on CDKN2A (p16INK4a) protein function (PMID: 10498896). This variant has not been reported in the literature in individuals with CDKN2A (p16INK4a)-related conditions.

Literature cited by the submitters: PubMed 10498896.